The following is an entry in ClinVar:

NM_000553.6(WRN):c.2485A>C (p.Asn829His)

Gene: WRN (WRN RecQ like helicase; plus strand). Cytogenetic location: 8p12.
Variant type: single nucleotide variant.
Coding change: c.2485A>C on transcript NM_000553.6 (MANE Select); coding-DNA position 2485, A replaced by C.
Protein change: p.Asn829His; replaces asparagine 829 with histidine.
Molecular consequence: missense variant.
Genome position (GRCh38, 1-based): chr8:31,120,279, A>C. VCF-style: chr8-31120279-A-C. GRCh37 (hg19) VCF-style: chr8-30977795-A-C.
Other names: short protein forms N829H.
Identifiers: ClinVar variation 2861085 (VCV002861085.3), dbSNP rs2535986324, ClinGen allele CA370915272.

ClinVar aggregate classification (germline): Uncertain significance (1 of 4 stars; one submission).

Conditions:
Werner syndrome (WRN). Identifiers: Orphanet 902, MedGen C0043119, MONDO:0010196, OMIM 277700.

gnomAD v4.1: 1 of 1,613,008 alleles (0.000062%); no homozygotes.

Submission:

Labcorp Genetics (formerly Invitae), Labcorp
Classification: Uncertain significance for Werner syndrome. Last evaluated: 2023-05-01. Review status: criteria provided, single submitter. Criteria: Invitae Variant Classification Sherloc (09022015). Collection method: clinical testing. Allele origin: germline.
Comment: In summary, the available evidence is currently insufficient to determine the role of this variant in disease. Therefore, it has been classified as a Variant of Uncertain Significance. An algorithm developed to predict the effect of missense changes on protein structure and function (PolyPhen-2) suggests that this variant is likely to be disruptive. This variant has not been reported in the literature in individuals affected with WRN-related conditions. This variant is not present in population databases (gnomAD no frequency). This sequence change replaces asparagine, which is neutral and polar, with histidine, which is basic and polar, at codon 829 of the WRN protein (p.Asn829His).